The following is an entry in ClinVar:

ClinVar aggregate classification (germline): Likely benign. Review status: criteria provided, multiple submitters, no conflicts (2 of 4 stars). 2 submissions from 2 submitters: Likely benign (2). Last evaluated 2024-04-24.

Allele frequency attached by ClinVar (database versions not stated): ESP Exome Variant Server 0.00008; ExAC 0.00009; gnomAD 0.00013; TOPMed 0.00014; gnomAD exomes 0.00026.
gnomAD v4.1: 393 of 1,614,078 alleles (0.024%); highest among the groups gnomAD compares: Non-Finnish European, 0.032%; no homozygotes.

Submissions (2):

Blueprint Genetics
Classification: Likely benign. Last evaluated: 2024-04-24. Review status: criteria provided, single submitter. Criteria: ACMG Guidelines, 2015. Collection method: clinical testing. Allele origin: germline.

CeGaT Center for Human Genetics Tuebingen
Classification: Likely benign. Last evaluated: 2024-01-01. Review status: criteria provided, single submitter. Criteria: CeGaT Center For Human Genetics Tuebingen Variant Classification Criteria Version 2. Collection method: clinical testing. Allele origin: germline. Affected: yes. Observed: 1 variant allele.
Comment: TBR1: PP2, BS1

NM_006593.4(TBR1):c.256G>T (p.Val86Phe)

Gene: TBR1 (T-box brain transcription factor 1; plus strand). Cytogenetic location: 2q24.2.
Variant type: single nucleotide variant.
Coding change: c.256G>T on transcript NM_006593.4 (MANE Select); coding-DNA position 256, G replaced by T.
Protein change: p.Val86Phe; replaces valine 86 with phenylalanine.
Molecular consequence: missense variant.
Genome position (GRCh38, 1-based): chr2:161,416,666, G>T. VCF-style: chr2-161416666-G-T. GRCh37 (hg19) VCF-style: chr2-162273177-G-T.
Other names: short protein forms V86F.
Identifiers: ClinVar variation 3024658 (VCV003024658.23), dbSNP rs200216820, ClinGen allele CA1930745.